The following is an entry in ClinVar:

ClinVar aggregate classification (germline): Uncertain significance (1 of 4 stars; one submission).

Submission:

GeneDx
Classification: Uncertain significance. Last evaluated: 2025-03-10. Review status: criteria provided, single submitter. Criteria: GeneDx Variant Classification Process June 2021. Collection method: clinical testing. Allele origin: germline. Affected: yes.
Comment: Not observed at significant frequency in large population cohorts (gnomAD); In silico analysis supports that this missense variant has a deleterious effect on protein structure/function; Has not been previously published as pathogenic or benign to our knowledge

NM_020987.5(ANK3):c.12817G>A (p.Asp4273Asn)

Gene: ANK3 (ankyrin 3; minus strand). Cytogenetic location: 10q21.2.
Variant type: single nucleotide variant.
Coding change: c.12817G>A on transcript NM_020987.5 (MANE Select); coding-DNA position 12817, G replaced by A.
Protein change: p.Asp4273Asn; replaces aspartic acid 4273 with asparagine.
Molecular consequence: missense variant.
Genome position (GRCh38, 1-based): chr10:60,055,906, C>T on the plus strand (G>A on the coding strand, the complement: ANK3 is on the minus strand). VCF-style: chr10-60055906-C-T. GRCh37 (hg19) VCF-style: chr10-61815664-C-T.
Other names: c.2689G>A, p.Asp897Asn (NM_001149.4); c.5269G>A, p.Asp1757Asn (NM_001204403.2); c.5290G>A, p.Asp1764Asn (NM_001204404.2); c.5287G>A, p.Asp1763Asn (NM_001320874.2); short protein forms D1757N, D1763N, D1764N, D4273N, D897N.
Identifiers: ClinVar variation 4082967 (VCV004082967.1).